The following is an entry in ClinVar:

ClinVar aggregate classification (germline): Conflicting classifications of pathogenicity. Review status: criteria provided, conflicting classifications (1 of 4 stars). 3 submissions from 3 submitters: Uncertain significance (1); Likely benign (2). Last evaluated 2026-07-28.

Conditions:
CACNA1D-related disorder.

Allele frequency attached by ClinVar (database versions not stated): gnomAD exomes 0.00001 and 0.00002; ExAC 0.00002.
gnomAD v4.1: 12 of 1,602,208 alleles (0.00075%); highest among the groups gnomAD compares: Admixed American, 0.0067%; no homozygotes.

Submissions (3):

PreventionGenetics, part of Exact Sciences
Classification: Uncertain significance for CACNA1D-related condition. Last evaluated: 2026-07-28. Review status: criteria provided, single submitter. Criteria: ACMG Guidelines, 2015. Collection method: clinical testing. Allele origin: germline.
Comment: The CACNA1D c.2994C>T variant is not predicted to result in an amino acid change (p.=). This variant is predicted to impact splicing based on available splicing prediction programs (SpliceAI, Jaganathan et al. 2019. PubMed ID: 30661751). To our knowledge, this variant has not been reported in the literature. This variant is reported in 0.0087% of alleles in individuals of Latino descent in gnomAD. At this time, the clinical significance of this variant is uncertain due to the absence of conclusive functional and genetic evidence.

Labcorp Genetics (formerly Invitae), Labcorp
Classification: Likely benign. Last evaluated: 2024-01-16. Review status: criteria provided, single submitter. Criteria: Invitae Variant Classification Sherloc (09022015). Collection method: clinical testing. Allele origin: germline.

Blueprint Genetics
Classification: Likely benign. Last evaluated: 2022-09-06. Review status: criteria provided, single submitter. Criteria: ACMG Guidelines, 2015. Collection method: clinical testing. Allele origin: germline.

NM_001128840.3(CACNA1D):c.2934C>T (p.Ser978=)

Gene: CACNA1D (calcium voltage-gated channel subunit alpha1 D; plus strand). Cytogenetic location: 3p21.1.
Variant type: single nucleotide variant.
Coding change: c.2934C>T on transcript NM_001128840.3 (MANE Select); coding-DNA position 2934, C replaced by T.
Protein change: p.Ser978=; no amino-acid change (serine 978 retained).
Molecular consequence: synonymous variant.
Genome position (GRCh38, 1-based): chr3:53,744,755, C>T. VCF-style: chr3-53744755-C-T. GRCh37 (hg19) VCF-style: chr3-53778782-C-T.
Other names: c.2994C>T, p.Ser998= (NM_000720.4); c.2934C>T, p.Ser978= (NM_001128839.3); c.2994C>T (NM_000720.3).
Identifiers: ClinVar variation 1645330 (VCV001645330.10), dbSNP rs746947600, ClinGen allele CA2454400.